The following is an entry in ClinVar:

NM_005585.5(SMAD6):c.1489T>C (p.Ter497Gln)

Gene: SMAD6 (SMAD family member 6; plus strand). Cytogenetic location: 15q22.31.
Variant type: single nucleotide variant.
Coding change: c.1489T>C on transcript NM_005585.5 (MANE Select); coding-DNA position 1489, T replaced by C.
Protein change: p.Ter497Gln.
Molecular consequence: stop lost. On other transcripts: non-coding transcript variant (1).
Genome position (GRCh38, 1-based): chr15:66,781,533, T>C. VCF-style: chr15-66781533-T-C. GRCh37 (hg19) VCF-style: chr15-67073871-T-C.
Identifiers: ClinVar variation 1044922 (VCV001044922.8), dbSNP rs932383465, ClinGen allele CA272024001.

ClinVar aggregate classification (germline): Uncertain significance (1 of 4 stars; one submission).

Conditions:
Aortic valve disease 2 (AOVD2). Identifiers: MedGen C3542024, MONDO:0013902, OMIM 614823.

Allele frequency attached by ClinVar (database versions not stated): TOPMed below 0.00001; gnomAD 0.00001 and 0.00002; gnomAD exomes 0.00001.
gnomAD v4.1: 7 of 1,516,946 alleles (0.00046%); highest among the groups gnomAD compares: Admixed American, 0.0022%; no homozygotes.

Submission:

Labcorp Genetics (formerly Invitae), Labcorp
Classification: Uncertain significance for Aortic valve disease 2. Last evaluated: 2025-12-24. Review status: criteria provided, single submitter. Criteria: Invitae Variant Classification Sherloc (09022015). Collection method: clinical testing. Allele origin: germline.
Comment: This sequence change disrupts the translational stop signal of the SMAD6 mRNA. It is expected to extend the length of the SMAD6 protein by 45 additional amino acid residues. This variant is present in population databases (no rsID available, gnomAD 0.005%). This variant has not been reported in the literature in individuals affected with SMAD6-related conditions. ClinVar contains an entry for this variant (Variation ID: 1044922). Experimental studies and prediction algorithms are not available or were not evaluated, and the functional significance of this variant is currently unknown. In summary, the available evidence is currently insufficient to determine the role of this variant in disease. Therefore, it has been classified as a Variant of Uncertain Significance.